The following is an entry in ClinVar:

ClinVar aggregate classification (germline): Uncertain significance. Review status: criteria provided, multiple submitters, no conflicts (2 of 4 stars). 2 submissions from 2 submitters: Uncertain significance (2). Last evaluated 2023-12-07.

Conditions:
Piebaldism. Also called: Piebald skin depigmentation. Identifiers: Orphanet 2884, MedGen C0080024, MONDO:0008244, OMIM 172800, HP:0007544.

Allele frequency attached by ClinVar (database versions not stated): gnomAD exomes below 0.00001 and 0.00001.

Submissions (2):

Labcorp Genetics (formerly Invitae), Labcorp
Classification: Uncertain significance. Last evaluated: 2023-12-07. Review status: criteria provided, single submitter. Criteria: Invitae Variant Classification Sherloc (09022015). Collection method: clinical testing. Allele origin: germline.
Comment: This sequence change replaces glutamine, which is neutral and polar, with lysine, which is basic and polar, at codon 44 of the SNAI2 protein (p.Gln44Lys). This variant is present in population databases (no rsID available, gnomAD 0.003%). This variant has not been reported in the literature in individuals affected with SNAI2-related conditions. ClinVar contains an entry for this variant (Variation ID: 363267). Algorithms developed to predict the effect of missense changes on protein structure and function output the following: SIFT: "Not Available"; PolyPhen-2: "Benign"; Align-GVGD: "Not Available". The lysine amino acid residue is found in multiple mammalian species, which suggests that this missense change does not adversely affect protein function. In summary, the available evidence is currently insufficient to determine the role of this variant in disease. Therefore, it has been classified as a Variant of Uncertain Significance.

Illumina Laboratory Services, Illumina
Classification: Uncertain significance for Piebaldism. Last evaluated: 2018-01-13. Review status: criteria provided, single submitter. Criteria: ICSL Variant Classification Criteria 13 December 2019. Collection method: clinical testing. Allele origin: germline.

NM_003068.5(SNAI2):c.130C>A (p.Gln44Lys)

Gene: SNAI2 (snail family transcriptional repressor 2; minus strand). Cytogenetic location: 8q11.21.
Variant type: single nucleotide variant.
Coding change: c.130C>A on transcript NM_003068.5 (MANE Select); coding-DNA position 130, C replaced by A.
Protein change: p.Gln44Lys; replaces glutamine 44 with lysine.
Molecular consequence: missense variant.
Genome position (GRCh38, 1-based): chr8:48,920,391, G>T on the plus strand (C>A on the coding strand, the complement: SNAI2 is on the minus strand). VCF-style: chr8-48920391-G-T. GRCh37 (hg19) VCF-style: chr8-49832950-G-T.
Other names: short protein forms Q44K.
Identifiers: ClinVar variation 363267 (VCV000363267.8), dbSNP rs886062986, ClinGen allele CA10631266.